The following is an entry in ClinVar:

ClinVar aggregate classification (germline): Pathogenic/Likely pathogenic. Review status: criteria provided, multiple submitters, no conflicts (2 of 4 stars). 8 submissions from 8 submitters: Pathogenic (2); Likely pathogenic (3). 3 of the submissions do not count toward it. Last evaluated 2025-08-08.

Conditions:
Cohen syndrome (COH1). Also called: PEPPER SYNDROME; Cutis verticis gyrata, retinitis pigmentosa, and sensorineural deafness. Identifiers: Orphanet 193, MedGen C0265223, MONDO:0008999, OMIM 216550.

Allele frequency attached by ClinVar (database versions not stated): TOPMed below 0.00001; gnomAD 0.00001; gnomAD exomes 0.00001 and 0.00002; ExAC 0.00005.
gnomAD v4.1: 15 of 1,613,896 alleles (0.00093%); highest among the groups gnomAD compares: Non-Finnish European, 0.0011%; no homozygotes.

Submissions (8):

GeneDx
Classification: Pathogenic. Last evaluated: 2025-08-08. Review status: criteria provided, single submitter. Criteria: GeneDx Variant Classification Process June 2021. Collection method: clinical testing. Allele origin: germline. Affected: yes.
Comment: Observed in an individual with Cohen syndrome in published literature; additional clinical details were not provided (PMID: 19006247); Nonsense variant predicted to result in protein truncation or nonsense mediated decay in a gene for which loss of function is a known mechanism of disease; Not observed at significant frequency in large population cohorts (gnomAD); This variant is associated with the following publications: (PMID: 25525159, 19006247)

Labcorp Genetics (formerly Invitae), Labcorp
Classification: Pathogenic for Cohen syndrome. Last evaluated: 2024-12-14. Review status: criteria provided, single submitter. Criteria: Invitae Variant Classification Sherloc (09022015). Collection method: clinical testing. Allele origin: germline.
Comment: This sequence change creates a premature translational stop signal (p.Arg1471*) in the VPS13B gene. It is expected to result in an absent or disrupted protein product. Loss-of-function variants in VPS13B are known to be pathogenic (PMID: 15141358, 16648375, 20461111). This variant is present in population databases (rs386834086, gnomAD 0.006%). This premature translational stop signal has been observed in individual(s) with Cohen syndrome (PMID: 19006247). ClinVar contains an entry for this variant (Variation ID: 56664). For these reasons, this variant has been classified as Pathogenic.

Fulgent Genetics
Classification: Likely pathogenic for Cohen syndrome. Last evaluated: 2024-05-22. Review status: criteria provided, single submitter. Criteria: ACMG Guidelines, 2015. Collection method: clinical testing. Allele origin: germline.

Broad Center for Mendelian Genomics, Broad Institute of MIT and Harvard
Classification: Likely pathogenic for Cohen syndrome. Last evaluated: 2023-05-02. Review status: criteria provided, single submitter. Criteria: ACMG Guidelines, 2015. Collection method: curation. Allele origin: germline. Inheritance: Autosomal recessive inheritance.
Comment: The p.Arg1471Ter variant in VPS13B has been previously reported in one individual with Cohen syndrome (PMID: 19006247) but has been identified in 0.005% (7/128976) of European (non-Finnish) chromosomes by the Genome Aggregation Database (gnomAD; dbSNP ID: rs386834086). Although this variant has been seen in the general population in a heterozygous state, its frequency is low enough to be consistent with a recessive carrier frequency. This variant has also been reported in ClinVar (Variation ID: 56664) and has been interpreted as pathogenic or likely pathogenic by multiple submitters. This nonsense variant leads to a premature termination codon at position 1471, which is predicted to lead to a truncated or absent protein. Loss of function of the VPS13B gene is an established disease mechanism in autosomal recessive Cohen syndrome. In summary, although additional studies are required to fully establish its clinical significance, this variant is likely pathogenic for autosomal recessive Cohen syndrome. ACMG/AMP Criteria applied: PVS1, PM2_Supporting (Richards 2015).

Women's Health and Genetics/Laboratory Corporation of America, LabCorp
Classification: Likely pathogenic for Cohen syndrome. Last evaluated: 2022-03-21. Review status: criteria provided, single submitter. Criteria: LabCorp Variant Classification Summary - May 2015. Collection method: clinical testing. Allele origin: germline.
Comment: Variant summary: VPS13B c.4411C>T (p.Arg1471X) results in a premature termination codon, predicted to cause a truncation of the encoded protein or absence of the protein due to nonsense mediated decay, which are commonly known mechanisms for disease. Truncations downstream of this position have been classified as pathogenic by our laboratory. The variant allele was found at a frequency of 2.4e-05 in 251262 control chromosomes (gnomAD). c.4411C>T has been reported in the literature in at-least one individual affected with Cohen Syndrome (Seifert_2009). To our knowledge, no experimental evidence demonstrating an impact on protein function has been reported. Two clinical diagnostic laboratories have submitted clinical-significance assessments for this variant to ClinVar after 2014 and classified the variant as pathogenic/likely pathogenic. Based on the evidence outlined above, the variant was classified as likely pathogenic.

Natera, Inc.
Classification: Likely pathogenic for Cohen syndrome. Last evaluated: 2020-09-03. Review status: no assertion criteria provided. Collection method: clinical testing. Allele origin: germline. Not counted in ClinVar's aggregate classification.

Counsyl
Classification: Likely pathogenic for Cohen syndrome. Last evaluated: 2016-02-19. Review status: no assertion criteria provided. Collection method: clinical testing. Allele origin: unknown. Not counted in ClinVar's aggregate classification.

Juha Muilu Group; Institute for Molecular Medicine Finland (FIMM)
Classification: Likely pathogenic for Cohen syndrome. Review status: no assertion criteria provided. Collection method: not provided. Allele origin: unknown. Not counted in ClinVar's aggregate classification.
Comment: FinDis database variant: This variant was not found or characterized by our laboratory, data were collected from public sources: see reference
ClinVar note: Converted during submission from probable-pathogenic to Likely pathogenic.

Literature cited by the submitters: PubMed 15141358 (cited by Labcorp Genetics (formerly Invitae), Labcorp); PubMed 16648375 (cited by Labcorp Genetics (formerly Invitae), Labcorp); PubMed 20461111 (cited by Labcorp Genetics (formerly Invitae), Labcorp); PubMed 19006247 (cited by 3 submitters); PubMed 25525159 (cited by Counsyl).

NM_152564.5(VPS13B):c.4336C>T (p.Arg1446Ter)

Gene: VPS13B (vacuolar protein sorting 13 homolog B; plus strand). Cytogenetic location: 8q22.2.
Variant type: single nucleotide variant.
Coding change: c.4336C>T on transcript NM_152564.5 (MANE Select); coding-DNA position 4336, C replaced by T.
Protein change: p.Arg1446Ter; replaces arginine 1446 with a stop codon.
Molecular consequence: nonsense.
Genome position (GRCh38, 1-based): chr8:99,511,215, C>T. VCF-style: chr8-99511215-C-T. GRCh37 (hg19) VCF-style: chr8-100523443-C-T.
Other names: NM_152564.5(VPS13B):c.4336C>T; p.Arg1446Ter; c.4411C>T, p.Arg1471Ter (NM_017890.5); short protein forms R1471*, R1446*.
Identifiers: ClinVar variation 56664 (VCV000056664.18), dbSNP rs386834086, ClinGen allele CA264074.